The following is an entry in ClinVar:

NM_015915.5(ATL1):c.1021_1023del (p.Leu341del)

Gene: ATL1 (atlastin GTPase 1; plus strand). Cytogenetic location: 14q22.1.
Variant type: Deletion.
Coding change: c.1021_1023del on transcript NM_015915.5 (MANE Select); coding-DNA positions 1021 to 1023, 3 bases deleted (TTA; older notation c.1021_1023delTTA).
Protein change: p.Leu341del; deletes leucine 341.
Molecular consequence: inframe deletion.
Genome position (GRCh38, 1-based): chr14:50,621,873-50,621,875, TTA deleted; deleting any 3 consecutive bases within chr14:50,621,872-50,621,875 gives the same sequence; the c. name uses the placement nearest the transcript's 3' end. VCF-style (leftmost placement, unchanged base first): chr14-50621871-AATT-A. GRCh37 (hg19) VCF-style: chr14-51088589-AATT-A.
Other names: c.1021_1023del, p.Leu341del (NM_001127713.1, NM_181598.4); short protein forms L341del.
Identifiers: ClinVar variation 2101809 (VCV002101809.4), dbSNP rs2504560447, ClinGen allele CA2580088213.

ClinVar aggregate classification (germline): Likely pathogenic (1 of 4 stars; one submission).

Conditions:
Hereditary spastic paraplegia 3A (SPG3A). Also called: Spastic paraplegia 3A, autosomal dominant; SPASTIC PARAPLEGIA 3, AUTOSOMAL DOMINANT; FAMILIAL SPASTIC PARAPLEGIA, AUTOSOMAL DOMINANT, 1; SPG3; STRUMPELL DISEASE; Spastic Paraplegia 3A. Identifiers: Orphanet 100984, MedGen C2931355, MONDO:0008437, OMIM 182600.

Submission:

Labcorp Genetics (formerly Invitae), Labcorp
Classification: Likely pathogenic for Hereditary spastic paraplegia 3A. Last evaluated: 2022-08-09. Review status: criteria provided, single submitter. Criteria: Invitae Variant Classification Sherloc (09022015). Collection method: clinical testing. Allele origin: germline.
Comment: This variant has been observed in individual(s) with clinical features of hereditary spastic paraplegia (Invitae). In at least one individual the variant was observed to be de novo. In summary, the currently available evidence indicates that the variant is pathogenic, but additional data are needed to prove that conclusively. Therefore, this variant has been classified as Likely Pathogenic. This variant is not present in population databases (gnomAD no frequency). This variant, c.1021_1023del, results in the deletion of 1 amino acid(s) of the ATL1 protein (p.Leu341del), but otherwise preserves the integrity of the reading frame.